The following is an entry in ClinVar:

ClinVar aggregate classification (germline): Uncertain significance (1 of 4 stars; one submission).

Conditions:
Cardiovascular phenotype. Identifiers: MedGen CN230736.

Submission:

Ambry Genetics
Classification: Uncertain significance for Cardiovascular phenotype. Last evaluated: 2024-11-17. Review status: criteria provided, single submitter. Criteria: Ambry Variant Classification Scheme 2023. Collection method: clinical testing. Allele origin: germline.
Comment: The p.Q842R variant (also known as c.2525A>G), located in coding exon 6 of the ALPK3 gene, results from an A to G substitution at nucleotide position 2525. The glutamine at codon 842 is replaced by arginine, an amino acid with highly similar properties. This amino acid position is conserved. In addition, this alteration is predicted to be tolerated by in silico analysis. Based on the available evidence, the clinical significance of this variant remains unclear.

NM_020778.5(ALPK3):c.1919A>G (p.Gln640Arg)

Gene: ALPK3 (alpha kinase 3; plus strand). Cytogenetic location: 15q25.3.
Variant type: single nucleotide variant.
Coding change: c.1919A>G on transcript NM_020778.5 (MANE Select); coding-DNA position 1919, A replaced by G.
Protein change: p.Gln640Arg; replaces glutamine 640 with arginine.
Molecular consequence: missense variant.
Genome position (GRCh38, 1-based): chr15:84,856,657, A>G. VCF-style: chr15-84856657-A-G. GRCh37 (hg19) VCF-style: chr15-85399888-A-G.
Other names: short protein forms Q640R.
Identifiers: ClinVar variation 3533521 (VCV003533521.1).
Genomic context (GRCh38, chr15:84,856,657, plus strand): 5'-GAAGGACCAGGGGAGATGGAACACAGACAGCCCAGAGGACACGTGCAGATAGGAAGACGC[A>G]GGTGGATGCTGGGACACAAGAAAGCAAGAGGCCACAGTCAGACAGGAGTGCACAGAAGGG-3'
Protein context (NP_065829.4, residues 630-650): AQRTRADRKT[Gln640Arg]VDAGTQESKR